The following is an entry in ClinVar:

ClinVar aggregate classification (germline): Benign (1 of 4 stars; one submission).

Conditions:
Dent disease type 1 (DENT1). Also called: NEPHROLITHIASIS 2; NEPHROLITHIASIS, HYPERCALCIURIC, X-LINKED. Identifiers: Orphanet 1652, Orphanet 93622, MedGen C1848336, MONDO:0010225, OMIM 300009.

Allele frequency attached by ClinVar (database versions not stated): TOPMed 0.00011; gnomAD 0.00055 and 0.00004; gnomAD exomes 0.00123; 1000 Genomes Project 30x 0.00499; 1000 Genomes Project 0.00583.
gnomAD v4.1: 68 of 116,735 alleles (0.058%); highest among the groups gnomAD compares: South Asian, 2.1%; no homozygotes.

Submission:

Illumina Laboratory Services, Illumina
Classification: Benign for Dent disease type 1. Last evaluated: 2018-01-12. Review status: criteria provided, single submitter. Criteria: ICSL Variant Classification Criteria 13 December 2019. Collection method: clinical testing. Allele origin: germline.
Comment: This variant was observed in the ICSL laboratory as part of a predisposition screen in an ostensibly healthy population. It had not been previously curated by ICSL or reported in the Human Gene Mutation Database (HGMD: prior to June 1st, 2018), and was therefore a candidate for classification through an automated scoring system. Utilizing variant allele frequency, disease prevalence and penetrance estimates, and inheritance mode, an automated score was calculated to assess if this variant is too frequent to cause the disease. Based on the score and internal cut-off values, a variant classified as benign is not then subjected to further curation. The score for this variant resulted in a classification of benign for this disease.

NM_001127898.4(CLCN5):c.*559A>G

Gene: CLCN5 (Cl-/H+ antiporter 5; plus strand). Cytogenetic location: Xp11.23.
Variant type: single nucleotide variant.
Coding change: c.*559A>G on transcript NM_001127898.4 (MANE Select); 559 bases downstream of the stop codon, A replaced by G.
Molecular consequence: 3 prime UTR variant.
Genome position (GRCh38, 1-based): chrX:50,092,778, A>G. VCF-style: chrX-50092778-A-G. GRCh37 (hg19) VCF-style: chrX-49857435-A-G.
Other names: c.*559A>G (NM_000084.5, NM_001127899.4, NM_001282163.2).
Identifiers: ClinVar variation 368492 (VCV000368492.5), dbSNP rs375542213, ClinGen allele CA10654350.
Genomic context (GRCh38, chrX:50,092,778, plus strand): 5'-AGACTGTGAAGATTCAGTTCAAATGTTATCCTTGTTCCTGTTACAATATTTAGCATTATT[A>G]GTTTGTTATGTGTGTATGTTTATGTTAATTTTAATTTCTGATTATAAGACAATGCTGCTT-3'